The following is an entry in ClinVar:

NM_022455.5(NSD1):c.5609A>G (p.Tyr1870Cys)

Gene: NSD1 (nuclear receptor binding SET domain protein 1; plus strand). Cytogenetic location: 5q35.3.
Variant type: single nucleotide variant.
Coding change: c.5609A>G on transcript NM_022455.5 (MANE Select); coding-DNA position 5609, A replaced by G.
Protein change: p.Tyr1870Cys; replaces tyrosine 1870 with cysteine.
Molecular consequence: missense variant.
Genome position (GRCh38, 1-based): chr5:177,273,771, A>G. VCF-style: chr5-177273771-A-G. GRCh37 (hg19) VCF-style: chr5-176700772-A-G.
Other names: c.4736A>G, p.Tyr1579Cys (NM_001365684.2, NM_001409308.1, NM_001409309.1 and 1 more transcripts); c.5609A>G, p.Tyr1870Cys (NM_001409301.1, NM_001409302.1, NM_001409303.1); c.5189A>G, p.Tyr1730Cys (NM_001409304.1); c.4856A>G, p.Tyr1619Cys (NM_001409305.1); c.4847A>G, p.Tyr1616Cys (NM_001409306.1, NM_001409307.1); short protein forms Y1870C, Y1601C, Y1619C, Y1579C, Y1616C, Y1730C.
Identifiers: ClinVar variation 381679 (VCV000381679.3), dbSNP rs1057521142, ClinGen allele CA16604875.

ClinVar aggregate classification (germline): Likely pathogenic. Review status: criteria provided, multiple submitters, no conflicts (2 of 4 stars). 2 submissions from 2 submitters: Likely pathogenic (2). Last evaluated 2024-05-07.

Conditions:
NSD1-related disorder. Also called: NSD1-related condition.

Submissions (2):

Blueprint Genetics
Classification: Likely pathogenic for NSD1-related disorders. Last evaluated: 2024-05-07. Review status: criteria provided, single submitter. Criteria: ACMG Guidelines, 2015. Collection method: clinical testing. Allele origin: germline. Affected: yes. Observed: 1 variant allele.

GeneDx
Classification: Likely pathogenic. Last evaluated: 2016-07-29. Review status: criteria provided, single submitter. Criteria: GeneDx Variant Classification (06012015). Collection method: clinical testing. Allele origin: germline. Affected: yes.
Comment: The Y1870C variant in the NSD1 gene has been reported previously in an individual with Soto syndrome, however even though the variant was not detected in the paternal sample, a maternal sample was not available to confirm if this variant was de novo (Kotilainen et al., 2009). The Y1870C variant was not observed in approximately 6,500 individuals of European and African American ancestry in the NHLBI Exome Sequencing Project, indicating it is not a common benign variant in these populations. The Y1870C variant is a non-conservative amino acid substitution, which is likely to impact secondary protein structure as these residues differ in polarity, charge, size and/or other properties. This substitution occurs at a position that is conserved across species. In silico analysis predicts this variant is probably damaging to the protein structure/function. Therefore, we interpret Y1870C as a likely pathogenic variant.